The following is an entry in ClinVar:

NM_020937.4(FANCM):c.4640A>C (p.Asn1547Thr)

Gene: FANCM (FA complementation group M; plus strand). Cytogenetic location: 14q21.2.
Variant type: single nucleotide variant.
Coding change: c.4640A>C on transcript NM_020937.4 (MANE Select); coding-DNA position 4640, A replaced by C.
Protein change: p.Asn1547Thr; replaces asparagine 1547 with threonine.
Molecular consequence: missense variant.
Genome position (GRCh38, 1-based): chr14:45,185,341, A>C. VCF-style: chr14-45185341-A-C. GRCh37 (hg19) VCF-style: chr14-45654544-A-C.
Other names: c.4562A>C, p.Asn1521Thr (NM_001308133.2); short protein forms N1521T, N1547T.
Identifiers: ClinVar variation 3512989 (VCV003512989.1).

ClinVar aggregate classification (germline): Uncertain significance (1 of 4 stars; one submission).

Conditions:
Inborn genetic diseases. Identifiers: MedGen C0950123, MeSH D030342.

Submission:

Ambry Genetics
Classification: Uncertain significance for Inborn genetic diseases. Last evaluated: 2024-12-08. Review status: criteria provided, single submitter. Criteria: Ambry Variant Classification Scheme 2023. Collection method: clinical testing. Allele origin: germline.
Comment: The p.N1547T variant (also known as c.4640A>C), located in coding exon 18 of the FANCM gene, results from an A to C substitution at nucleotide position 4640. The asparagine at codon 1547 is replaced by threonine, an amino acid with similar properties. This amino acid position is conserved. In addition, this alteration is predicted to be tolerated by in silico analysis. Based on the available evidence, the clinical significance of this variant remains unclear.